The following is an entry in ClinVar:

NM_007194.4(CHEK2):c.1056T>G (p.Asn352Lys)

Gene: CHEK2 (checkpoint kinase 2; minus strand). Cytogenetic location: 22q12.1.
Variant type: single nucleotide variant.
Coding change: c.1056T>G on transcript NM_007194.4 (MANE Select); coding-DNA position 1056, T replaced by G.
Protein change: p.Asn352Lys; replaces asparagine 352 with lysine.
Molecular consequence: missense variant. On other transcripts: intron variant (3).
Genome position (GRCh38, 1-based): chr22:28,696,940, A>C on the plus strand (T>G on the coding strand, the complement: CHEK2 is on the minus strand). VCF-style: chr22-28696940-A-C. GRCh37 (hg19) VCF-style: chr22-29092928-A-C.
Other names: c.393T>G, p.Asn131Lys (NM_001257387.3, NM_001437942.1); c.855T>G, p.Asn285Lys (NM_001349956.3); c.1185T>G, p.Asn395Lys (NM_001005735.3); c.1149T>G, p.Asn383Lys (NM_001438293.1); c.1009-1067T>G (NM_145862.3); c.1102-1067T>G (NM_001438295.1); c.1138-1067T>G (NM_001438294.1); short protein forms N352K, N131K, N285K, N395K, N383K.
Identifiers: ClinVar variation 410046 (VCV000410046.12), dbSNP rs1060502709, ClinGen allele CA16616557.
Genomic context (GRCh38, chr22:28,696,940, plus strand): 5'-TACAGAATGCCAATTTCTTACCTTTATAAGACAGTCCTCTTCTTGAGATGACAGTAAAAC[A>C]TTCTCTGGCTTTAAGTCACGGTGTATAATACCGTTTTCATGAAGGTACTACACAGAAAGG-3'
Protein context (NP_009125.1, residues 342-362): GIIHRDLKPE[Asn352Lys]VLLSSQEEDC

ClinVar aggregate classification (germline): Uncertain significance. Review status: criteria provided, multiple submitters, no conflicts (2 of 4 stars). 2 submissions from 2 submitters: Uncertain significance (2). Last evaluated 2024-11-01.

Conditions:
Hereditary cancer-predisposing syndrome. Also called: Tumor predisposition; Hereditary Cancer Syndrome; Hereditary neoplastic syndrome; Neoplastic Syndromes, Hereditary. Identifiers: Orphanet 140162, MedGen C0027672, MeSH D009386, MONDO:0015356.
Familial cancer of breast. Also called: BREAST CANCER, FAMILIAL; Hereditary breast cancer; hereditary breast carcinoma. Identifiers: Orphanet 227535, MedGen C0346153, MONDO:0016419, OMIM 114480. Disease mechanism: loss of function.

Submissions (2):

Ambry Genetics
Classification: Uncertain significance for Hereditary cancer-predisposing syndrome. Last evaluated: 2024-11-01. Review status: criteria provided, single submitter. Criteria: Ambry Variant Classification Scheme 2023. Collection method: clinical testing. Allele origin: germline.
Comment: The p.N352K variant (also known as c.1056T>G), located in coding exon 9 of the CHEK2 gene, results from a T to G substitution at nucleotide position 1056. The asparagine at codon 352 is replaced by lysine, an amino acid with similar properties. This amino acid position is highly conserved in available vertebrate species. In addition, the in silico prediction for this alteration is inconclusive. Based on the available evidence, the clinical significance of this variant remains unclear.

Labcorp Genetics (formerly Invitae), Labcorp
Classification: Uncertain significance for Familial cancer of breast. Last evaluated: 2024-10-03. Review status: criteria provided, single submitter. Criteria: Invitae Variant Classification Sherloc (09022015). Collection method: clinical testing. Allele origin: germline.
Comment: This sequence change replaces asparagine, which is neutral and polar, with lysine, which is basic and polar, at codon 352 of the CHEK2 protein (p.Asn352Lys). This variant is not present in population databases (gnomAD no frequency). This variant has not been reported in the literature in individuals affected with CHEK2-related conditions. ClinVar contains an entry for this variant (Variation ID: 410046). An algorithm developed to predict the effect of missense changes on protein structure and function (PolyPhen-2) suggests that this variant is likely to be disruptive. In summary, the available evidence is currently insufficient to determine the role of this variant in disease. Therefore, it has been classified as a Variant of Uncertain Significance.